The following is an entry in ClinVar:

ClinVar aggregate classification (germline): Uncertain significance (1 of 4 stars; one submission).

Conditions:
Hereditary cancer-predisposing syndrome. Also called: Hereditary Cancer Syndrome; Hereditary neoplastic syndrome; Neoplastic Syndromes, Hereditary; Tumor predisposition. Identifiers: Orphanet 140162, MedGen C0027672, MeSH D009386, MONDO:0015356.

Submission:

Ambry Genetics
Classification: Uncertain significance for Hereditary cancer-predisposing syndrome. Last evaluated: 2023-10-26. Review status: criteria provided, single submitter. Criteria: Ambry Variant Classification Scheme 2023. Collection method: clinical testing. Allele origin: germline.
Comment: The p.L436Q variant (also known as c.1307T>A), located in coding exon 11 of the CHEK2 gene, results from a T to A substitution at nucleotide position 1307. The leucine at codon 436 is replaced by glutamine, an amino acid with dissimilar properties. This amino acid position is well conserved in available vertebrate species. In addition, this alteration is predicted to be deleterious by in silico analysis. Since supporting evidence is limited at this time, the clinical significance of this alteration remains unclear.

NM_007194.4(CHEK2):c.1307T>A (p.Leu436Gln)

Gene: CHEK2 (checkpoint kinase 2; minus strand). Cytogenetic location: 22q12.1.
Variant type: single nucleotide variant.
Coding change: c.1307T>A on transcript NM_007194.4 (MANE Select); coding-DNA position 1307, T replaced by A.
Protein change: p.Leu436Gln; replaces leucine 436 with glutamine.
Molecular consequence: missense variant.
Genome position (GRCh38, 1-based): chr22:28,695,195, A>T on the plus strand (T>A on the coding strand, the complement: CHEK2 is on the minus strand). VCF-style: chr22-28695195-A-T. GRCh37 (hg19) VCF-style: chr22-29091183-A-T.
Other names: c.1436T>A, p.Leu479Gln (NM_001005735.3); c.644T>A, p.Leu215Gln (NM_001257387.3); c.1106T>A, p.Leu369Gln (NM_001349956.3); c.1220T>A, p.Leu407Gln (NM_145862.3); short protein forms L215Q, L369Q, L436Q, L407Q, L479Q.
Identifiers: ClinVar variation 1769551 (VCV001769551.2), dbSNP rs878854914, ClinGen allele CA411096039.